The following is an entry in ClinVar:

NM_007294.4(BRCA1):c.5231_5232del (p.Arg1744fs)

Gene: BRCA1 (BRCA1 DNA repair associated; minus strand). Cytogenetic location: 17q21.31.
Variant type: Deletion.
Coding change: c.5231_5232del on transcript NM_007294.4 (MANE Select); coding-DNA positions 5231 to 5232, 2 bases deleted (GA; older notation c.5231_5232delGA).
Protein change: p.Arg1744fs; shifts the reading frame from arginine 1744.
Molecular consequence: frameshift variant.
Genome position (GRCh38, 1-based): chr17:43,057,097-43,057,098, TC deleted on the plus strand (GA on the coding strand, the reverse complement: BRCA1 is on the minus strand); deleting any 2 consecutive bases within chr17:43,057,097-43,057,099 gives the same sequence; the c. name uses the placement nearest the transcript's 3' end. VCF-style (leftmost placement, unchanged base first): chr17-43057096-TTC-T. GRCh37 (hg19) VCF-style: chr17-41209113-TTC-T.
Other names: c.5084_5085del, p.Arg1695fs (NM_001407841.1, NM_001407842.1, NM_001407843.1 and 12 more transcripts); c.5030_5031del, p.Arg1677fs (NM_001407862.1); c.5027_5028del, p.Arg1676fs (NM_001407863.1); c.5024_5025del, p.Arg1675fs (NM_001407874.1, NM_001407875.1); c.5021_5022del, p.Arg1674fs (NM_001407879.1, NM_001407881.1, NM_001407882.1 and 5 more transcripts); c.5018_5019del, p.Arg1673fs (NM_001407900.1, NM_001407902.1, NM_001407904.1 and 12 more transcripts); c.4967_4968del, p.Arg1656fs (NM_001407925.1, NM_001407926.1, NM_001407920.1 and 4 more transcripts); c.4964_4965del, p.Arg1655fs (NM_001407927.1, NM_001407928.1, NM_001407929.1 and 4 more transcripts); and 72 more; short protein forms R1447fs, R1448fs, R1575fs, R1590fs, R1615fs, R1616fs, R1617fs, R1631fs.
Identifiers: ClinVar variation 4812981 (VCV004812981.1).
Genomic context (GRCh38, chr17:43,057,096, plus strand): 5'-AGGGAGGGAGCTTTACCTTTCTGTCCTGGGATTCTCTTGCTCGCTTTGGACCTTGGTGGT[TTC>T]TTCCATTGACCACATCTCCTCTGACTTCAAAATCATGCTGAAAGAAACCAAACACAACCC-3'

ClinVar aggregate classification (germline): Pathogenic (1 of 4 stars; one submission).

Conditions:
Breast-ovarian cancer, familial, susceptibility to, 1 (BROVCA1). Also called: OVARIAN CANCER, SUSCEPTIBILITY TO; BRCA1 Hereditary Breast and Ovarian Cancer. Identifiers: Orphanet 145, MedGen C2676676, MONDO:0011450, OMIM 604370. Disease mechanism: loss of function.

Submission:

Myriad Genetics, Inc.
Classification: Pathogenic for Breast-ovarian cancer, familial, susceptibility to, 1. Last evaluated: 2025-10-22. Review status: criteria provided, single submitter. Criteria: Myriad Autosomal Dominant, Autosomal Recessive and X-Linked Classification Criteria (2023). Collection method: clinical testing. Allele origin: unknown.
Comment: This variant is considered pathogenic. This variant creates a frameshift predicted to result in premature protein truncation.